The following is an entry in ClinVar:

NM_206933.4(USH2A):c.2945G>A (p.Cys982Tyr)

Genes: USH2A (usherin; minus strand), USH2A-AS1 (USH2A antisense RNA 1; plus strand). Cytogenetic location: 1q41.
Variant type: single nucleotide variant.
Coding change: c.2945G>A on transcript NM_206933.4 (MANE Select); coding-DNA position 2945, G replaced by A.
Protein change: p.Cys982Tyr; replaces cysteine 982 with tyrosine.
Molecular consequence: missense variant.
Genome position (GRCh38, 1-based): chr1:216,232,001, C>T on the plus strand (G>A on the coding strand, the complement: USH2A is on the minus strand). VCF-style: chr1-216232001-C-T. GRCh37 (hg19) VCF-style: chr1-216405343-C-T.
Other names: c.2945G>A, p.Cys982Tyr (NM_007123.6); short protein forms C982Y.
Identifiers: ClinVar variation 1517665 (VCV001517665.8), dbSNP rs2102522146, ClinGen allele CA344863164.

ClinVar aggregate classification (germline): Uncertain significance (1 of 4 stars; one submission).

Submission:

Labcorp Genetics (formerly Invitae), Labcorp
Classification: Uncertain significance. Last evaluated: 2021-06-04. Review status: criteria provided, single submitter. Criteria: Invitae Variant Classification Sherloc (09022015). Collection method: clinical testing. Allele origin: germline.
Comment: This variant has not been reported in the literature in individuals with USH2A-related conditions. This sequence change replaces cysteine with tyrosine at codon 982 of the USH2A protein (p.Cys982Tyr). The cysteine residue is highly conserved and there is a large physicochemical difference between cysteine and tyrosine. This variant is not present in population databases (ExAC no frequency). Algorithms developed to predict the effect of missense changes on protein structure and function (SIFT, PolyPhen-2, Align-GVGD) all suggest that this variant is likely to be disruptive, but these predictions have not been confirmed by published functional studies and their clinical significance is uncertain. In summary, the available evidence is currently insufficient to determine the role of this variant in disease. Therefore, it has been classified as a Variant of Uncertain Significance.